The following is an entry in ClinVar:

NM_000821.7(GGCX):c.1217G>A (p.Arg406His)

Gene: GGCX (gamma-glutamyl carboxylase; minus strand). Cytogenetic location: 2p11.2.
Variant type: single nucleotide variant.
Coding change: c.1217G>A on transcript NM_000821.7 (MANE Select); coding-DNA position 1217, G replaced by A.
Protein change: p.Arg406His; replaces arginine 406 with histidine.
Molecular consequence: missense variant.
Genome position (GRCh38, 1-based): chr2:85,553,009, C>T on the plus strand (G>A on the coding strand, the complement: GGCX is on the minus strand). VCF-style: chr2-85553009-C-T. GRCh37 (hg19) VCF-style: chr2-85780132-C-T.
Other names: c.1217G>A (NM_000821.6); c.1046G>A, p.Arg349His (NM_001142269.4); short protein forms R349H, R406H.
Identifiers: ClinVar variation 988875 (VCV000988875.7), dbSNP rs139574592, ClinGen allele CA1741890.

ClinVar aggregate classification (germline): Uncertain significance. Review status: criteria provided, multiple submitters, no conflicts (2 of 4 stars). 5 submissions from 5 submitters: Uncertain significance (4). 1 of the submissions does not count toward it. Last evaluated 2026-01-13.

Conditions:
GGCX-related disorder. Also called: GGCX-related condition; GGCX - Related Disorders.
Vitamin K-dependent clotting factors, combined deficiency of, type 1. Also called: FACTORS II, VII, IX, AND X, COMBINED DEFICIENCY OF; FAMILIAL MULTIPLE COAGULATION FACTOR DEFICIENCY III; FMFD III; GLUTAMIC ACID, DEFICIENT GAMMA-CARBOXYLATION OF; MULTIPLE COAGULATION FACTOR DEFICIENCY III; VITAMIN K-DEPENDENT COAGULATION DEFECT. Identifiers: Orphanet 98434, MedGen C1848534, MONDO:0010187, OMIM 277450.
Body skin hyperlaxity due to vitamin K-dependent coagulation factor deficiency (PXECD). Also called: PSEUDOXANTHOMA ELASTICUM-LIKE DISORDER WITH MULTIPLE COAGULATION FACTOR DEFICIENCY; PXE-LIKE DISORDER WITH MULTIPLE COAGULATION FACTOR DEFICIENCY; PXE-like disorder. Identifiers: Orphanet 91135, MedGen C1835813, MONDO:0012570, OMIM 610842.
Thrombocytopenia. Identifiers: MedGen C0040034, MeSH D013921, MONDO:0002049, HP:0001873.
Abnormal bleeding. Also called: Bleeding diathesis. Identifiers: MedGen C1458140, HP:0001892.

Allele frequency attached by ClinVar (database versions not stated): gnomAD 0.00056; TOPMed 0.00083; ESP Exome Variant Server 0.00115.

Submissions (5):

PreventionGenetics, part of Exact Sciences
Classification: Uncertain significance for GGCX-related condition. Last evaluated: 2026-01-13. Review status: criteria provided, single submitter. Criteria: ACMG Guidelines, 2015. Collection method: clinical testing. Allele origin: germline.
Comment: The GGCX c.1217G>A variant is predicted to result in the amino acid substitution p.Arg406His. This variant has been reported in the heterozygous state in multiple individuals with thrombocytopenia, including two related family members in whom the variant and a CYCS variant segregated with disease (Almazni et al. 2020. PubMed ID: 32935436). This variant is reported in 0.068% of alleles in individuals of European (non-Finnish) descent in gnomAD, which may be too frequent to be a primary cause of disease. At this time, the clinical significance of this variant is uncertain due to the absence of conclusive functional and genetic evidence.

Blueprint Genetics
Classification: Uncertain significance. Last evaluated: 2024-09-03. Review status: criteria provided, single submitter. Criteria: ACMG Guidelines, 2015. Collection method: clinical testing. Allele origin: germline.

Labcorp Genetics (formerly Invitae), Labcorp
Classification: Uncertain significance. Last evaluated: 2022-10-17. Review status: criteria provided, single submitter. Criteria: Invitae Variant Classification Sherloc (09022015). Collection method: clinical testing. Allele origin: germline.
Comment: This sequence change replaces arginine, which is basic and polar, with histidine, which is basic and polar, at codon 406 of the GGCX protein (p.Arg406His). This variant is present in population databases (rs139574592, gnomAD 0.07%). This missense change has been observed in individual(s) with platelet disorders (PMID: 32935436). ClinVar contains an entry for this variant (Variation ID: 988875). Algorithms developed to predict the effect of missense changes on protein structure and function are either unavailable or do not agree on the potential impact of this missense change (SIFT: "Tolerated"; PolyPhen-2: "Probably Damaging"; Align-GVGD: "Class C0"). In summary, the available evidence is currently insufficient to determine the role of this variant in disease. Therefore, it has been classified as a Variant of Uncertain Significance.

Fulgent Genetics
Classification: Uncertain significance for Vitamin K-dependent clotting factors, combined deficiency of, type 1; Body skin hyperlaxity due to vitamin K-dependent coagulation factor deficiency. Last evaluated: 2021-12-10. Review status: criteria provided, single submitter. Criteria: ACMG Guidelines, 2015. Collection method: clinical testing. Allele origin: unknown.

Birmingham Platelet Group; University of Birmingham
Classification: Uncertain significance for Thrombocytopenia; Abnormal bleeding. Last evaluated: 2020-05-01. Review status: no assertion criteria provided. Collection method: research. Allele origin: germline. Affected: yes. Not counted in ClinVar's aggregate classification.

Literature cited by the submitters: PubMed 32935436 (cited by Labcorp Genetics (formerly Invitae), Labcorp).